The following is an entry in ClinVar:

NM_001244926.2(PRPF4):c.474A>C (p.Lys158Asn)

Gene: PRPF4 (pre-mRNA splicing tri-snRNP complex factor PRPF4; plus strand). Cytogenetic location: 9q32.
Variant type: single nucleotide variant.
Coding change: c.474A>C on transcript NM_001244926.2 (MANE Select); coding-DNA position 474, A replaced by C.
Protein change: p.Lys158Asn; replaces lysine 158 with asparagine.
Molecular consequence: missense variant. On other transcripts: 5 prime UTR variant (2), non-coding transcript variant (2).
Genome position (GRCh38, 1-based): chr9:113,282,727, A>C. VCF-style: chr9-113282727-A-C. GRCh37 (hg19) VCF-style: chr9-116045007-A-C.
Other names: c.-292A>C (NM_001322266.2, NM_001322267.2); c.477A>C, p.Lys159Asn (NM_004697.5); short protein forms K158N, K159N.
Identifiers: ClinVar variation 959416 (VCV000959416.11), dbSNP rs148684386, ClinGen allele CA5194867.

ClinVar aggregate classification (germline): Conflicting classifications of pathogenicity. Review status: criteria provided, conflicting classifications (1 of 4 stars). 3 submissions from 3 submitters: Uncertain significance (2); Likely benign (1). Last evaluated 2025-10-15.

Allele frequency attached by ClinVar (database versions not stated): gnomAD exomes 0.00004 and 0.00005; ExAC 0.00006; TOPMed 0.00006; gnomAD 0.00007; ESP Exome Variant Server 0.00031.

Submissions (3):

Labcorp Genetics (formerly Invitae), Labcorp
Classification: Uncertain significance. Last evaluated: 2025-10-15. Review status: criteria provided, single submitter. Criteria: Invitae Variant Classification Sherloc (09022015). Collection method: clinical testing. Allele origin: germline.
Comment: This sequence change replaces lysine, which is basic and polar, with asparagine, which is neutral and polar, at codon 159 of the PRPF4 protein (p.Lys159Asn). This variant is present in population databases (rs148684386, gnomAD 0.008%). This variant has not been reported in the literature in individuals affected with PRPF4-related conditions. ClinVar contains an entry for this variant (Variation ID: 959416). An algorithm developed to predict the effect of missense changes on protein structure and function (PolyPhen-2) suggests that this variant is likely to be tolerated. In summary, the available evidence is currently insufficient to determine the role of this variant in disease. Therefore, it has been classified as a Variant of Uncertain Significance.

Ambry Genetics
Classification: Uncertain significance. Last evaluated: 2024-12-12. Review status: criteria provided, single submitter. Criteria: Ambry Variant Classification Scheme 2023. Collection method: clinical testing. Allele origin: germline.

Blueprint Genetics
Classification: Likely benign. Last evaluated: 2024-09-18. Review status: criteria provided, single submitter. Criteria: ACMG Guidelines, 2015. Collection method: clinical testing. Allele origin: germline.